The following is an entry in ClinVar:

ClinVar aggregate classification (germline): Uncertain significance (1 of 4 stars; one submission).

Conditions:
Retinitis pigmentosa 73 (RP73). Identifiers: Orphanet 791, MedGen C4225287, MONDO:0014687, OMIM 616544.
Mucopolysaccharidosis, MPS-III-C (MPS3C). Also called: MPS IIIC (Sanfilippo Syndrome Type C); MUCOPOLYSACCHARIDOSIS, TYPE IIIC; Mucopolysaccharidosis type IIIC (Sanfilippo C); SANFILIPPO SYNDROME C; MPS III C; mucopolysaccharidosis type 3C. Identifiers: Orphanet 581, Orphanet 79271, MedGen C0086649, MONDO:0009657, OMIM 252930.

Allele frequency attached by ClinVar (database versions not stated): gnomAD exomes below 0.00001.

Submission:

Labcorp Genetics (formerly Invitae), Labcorp
Classification: Uncertain significance for Retinitis pigmentosa 73; Mucopolysaccharidosis, MPS-III-C. Last evaluated: 2021-03-17. Review status: criteria provided, single submitter. Criteria: Invitae Variant Classification Sherloc (09022015). Collection method: clinical testing. Allele origin: germline.
Comment: In summary, the available evidence is currently insufficient to determine the role of this variant in disease. Therefore, it has been classified as a Variant of Uncertain Significance. Algorithms developed to predict the effect of missense changes on protein structure and function are either unavailable or do not agree on the potential impact of this missense change (SIFT: "Deleterious"; PolyPhen-2: "Benign"; Align-GVGD: "Class C0"). This variant has not been reported in the literature in individuals with HGSNAT-related conditions. This variant is not present in population databases (ExAC no frequency). This sequence change replaces isoleucine with valine at codon 345 of the HGSNAT protein (p.Ile345Val). The isoleucine residue is highly conserved and there is a small physicochemical difference between isoleucine and valine.

NM_152419.3(HGSNAT):c.1033A>G (p.Ile345Val)

Gene: HGSNAT (heparan-alpha-glucosaminide N-acetyltransferase; plus strand). Cytogenetic location: 8p11.21.
Variant type: single nucleotide variant.
Coding change: c.1033A>G on transcript NM_152419.3 (MANE Select); coding-DNA position 1033, A replaced by G.
Protein change: p.Ile345Val; replaces isoleucine 345 with valine.
Molecular consequence: missense variant.
Genome position (GRCh38, 1-based): chr8:43,182,165, A>G. VCF-style: chr8-43182165-A-G. GRCh37 (hg19) VCF-style: chr8-43037308-A-G.
Other names: c.1033A>G, p.Ile345Val (NM_001363227.2); c.841A>G, p.Ile281Val (NM_001363228.2); c.169A>G, p.Ile57Val (NM_001363229.2); short protein forms I57V, I281V, I345V.
Identifiers: ClinVar variation 1372086 (VCV001372086.8), dbSNP rs2130783652, ClinGen allele CA371118339.